The following is an entry in ClinVar:

NM_000038.6(APC):c.4670T>A (p.Ile1557Asn)

Gene: APC (APC regulator of Wnt signaling pathway; plus strand). Cytogenetic location: 5q22.2.
Variant type: single nucleotide variant.
Coding change: c.4670T>A on transcript NM_000038.6 (MANE Select); coding-DNA position 4670, T replaced by A.
Protein change: p.Ile1557Asn; replaces isoleucine 1557 with asparagine.
Molecular consequence: missense variant.
Genome position (GRCh38, 1-based): chr5:112,840,264, T>A. VCF-style: chr5-112840264-T-A. GRCh37 (hg19) VCF-style: chr5-112175961-T-A.
Other names: c.4670T>A, p.Ile1557Asn (NM_001127510.3, NM_001354895.2); c.4616T>A, p.Ile1539Asn (NM_001127511.3); c.4724T>A, p.Ile1575Asn (NM_001354896.2); c.4700T>A, p.Ile1567Asn (NM_001354897.2); c.4595T>A, p.Ile1532Asn (NM_001354898.2); c.4586T>A, p.Ile1529Asn (NM_001354899.2); c.4547T>A, p.Ile1516Asn (NM_001354900.2); c.4493T>A, p.Ile1498Asn (NM_001354901.2); and 5 more; short protein forms I1539N, I1557N, I1274N, I1397N, I1431N, I1466N, I1498N, I1516N.
Identifiers: ClinVar variation 489456 (VCV000489456.12), dbSNP rs769121879, ClinGen allele CA16031568.

ClinVar aggregate classification (germline): Conflicting classifications of pathogenicity. Review status: criteria provided, conflicting classifications (1 of 4 stars). 5 submissions from 5 submitters: Uncertain significance (4); Likely benign (1). Last evaluated 2025-06-22.

Conditions:
Familial adenomatous polyposis 1 (FAP1). Also called: POLYPOSIS, ADENOMATOUS INTESTINAL; FAMILIAL ADENOMATOUS POLYPOSIS 1, ATTENUATED. Identifiers: MedGen C2713442, MONDO:0021056, OMIM 175100. Disease mechanism: loss of function.
Colorectal cancer. Also called: Malignant Colorectal Neoplasm; Colorectal cancer, somatic. Identifiers: MedGen C0346629, MONDO:0005575, OMIM 114500.
Gastric adenocarcinoma and proximal polyposis of the stomach (GAPPS). Also called: Polyposis, gastric, Dos Santos and de Magalhaes 1980; POLYPOSIS, GASTRIC; Gastric Adenocarcinoma and Proximal Polyposis of the Stomach (GAPPS). Identifiers: Orphanet 314022, MedGen C4749917, MONDO:0017790, OMIM 619182.
Desmoid disease, hereditary (DESMD). Also called: FIBROMATOSIS, FAMILIAL INFILTRATIVE. Identifiers: Orphanet 873, MedGen C1851124, OMIM 135290. Disease mechanism: loss of function.
Classic or attenuated familial adenomatous polyposis. Identifiers: MedGen CN372698, MONDO:0021057.
Hereditary cancer-predisposing syndrome. Also called: Hereditary Cancer Syndrome; Neoplastic Syndromes, Hereditary; Tumor predisposition; Hereditary neoplastic syndrome. Identifiers: Orphanet 140162, MedGen C0027672, MeSH D009386, MONDO:0015356.

Submissions (5):

Ambry Genetics
Classification: Uncertain significance for Hereditary cancer-predisposing syndrome. Last evaluated: 2025-06-22. Review status: criteria provided, single submitter. Criteria: Ambry Variant Classification Scheme 2023. Collection method: clinical testing. Allele origin: germline.
Comment: The p.I1557N variant (also known as c.4670T>A), located in coding exon 15 of the APC gene, results from a T to A substitution at nucleotide position 4670. The isoleucine at codon 1557 is replaced by asparagine, an amino acid with dissimilar properties. This amino acid position is conserved. In addition, in silico predictors for this gene do not accurately predict pathogenicity. Since supporting evidence is limited at this time, the clinical significance of this alteration remains unclear.

Labcorp Genetics (formerly Invitae), Labcorp
Classification: Uncertain significance for Familial adenomatous polyposis 1. Last evaluated: 2025-04-17. Review status: criteria provided, single submitter. Criteria: Invitae Variant Classification Sherloc (09022015). Collection method: clinical testing. Allele origin: germline.
Comment: This sequence change replaces isoleucine, which is neutral and non-polar, with asparagine, which is neutral and polar, at codon 1557 of the APC protein (p.Ile1557Asn). This variant is not present in population databases (gnomAD no frequency). This variant has not been reported in the literature in individuals affected with APC-related conditions. ClinVar contains an entry for this variant (Variation ID: 489456). Invitae Evidence Modeling of protein sequence and biophysical properties (such as structural, functional, and spatial information, amino acid conservation, physicochemical variation, residue mobility, and thermodynamic stability) indicates that this missense variant is not expected to disrupt APC protein function with a negative predictive value of 95%. In summary, the available evidence is currently insufficient to determine the role of this variant in disease. Therefore, it has been classified as a Variant of Uncertain Significance.

3billion
Classification: Likely benign for Familial adenomatous polyposis 1; Gastric adenocarcinoma and proximal polyposis of the stomach; Colorectal cancer; Desmoid disease, hereditary. Last evaluated: 2024-09-20. Review status: criteria provided, single submitter. Criteria: ACMG Guidelines, 2015. Collection method: clinical testing. Allele origin: germline. Affected: no.
Comment: The variant was identified in at least one patient who was diagnosed with a different variant in another gene and showed no symptoms related to the gene containing the variant in question. Additionally, It was found as homozygous in at least one patient wth no related symptoms.

Color Diagnostics, LLC DBA Color Health
Classification: Uncertain significance for Hereditary cancer-predisposing syndrome. Last evaluated: 2024-03-06. Review status: criteria provided, single submitter. Criteria: ACMG Guidelines, 2015. Collection method: clinical testing. Allele origin: germline.
Comment: This missense variant replaces isoleucine with asparagine at codon 1557 of the APC protein. Computational prediction suggests that this variant may not impact protein structure and function (internally defined REVEL score threshold <= 0.5, PMID: 27666373). To our knowledge, functional studies have not been reported for this variant. This variant has not been reported in individuals affected with APC-related disorders in the literature. This variant has not been identified in the general population by the Genome Aggregation Database (gnomAD). The available evidence is insufficient to determine the role of this variant in disease conclusively. Therefore, this variant is classified as a Variant of Uncertain Significance.

All of Us Research Program, National Institutes of Health
Classification: Uncertain significance for Classic or attenuated familial adenomatous polyposis. Last evaluated: 2023-06-26. Review status: criteria provided, single submitter. Criteria: ACMG Guidelines, 2015. Collection method: clinical testing. Allele origin: germline. Inheritance: Autosomal dominant inheritance. Observed: 1 variant allele, 1 heterozygote.
Comment: This missense variant replaces isoleucine with asparagine at codon 1557 of the APC protein. Computational prediction suggests that this variant may not impact protein structure and function (internally defined REVEL score threshold <= 0.5, PMID: 27666373). To our knowledge, functional studies have not been reported for this variant. This variant has not been reported in individuals affected with APC-related disorders in the literature. This variant has not been identified in the general population by the Genome Aggregation Database (gnomAD). The available evidence is insufficient to determine the role of this variant in disease conclusively. Therefore, this variant is classified as a Variant of Uncertain Significance.

This study involves interpretation of variants in research participants for the purpose of population health screening. Participant phenotype was not available at the time of variant classification. Additional details can be found in publication PMID: 35346344, PMCID: PMC8962531